The following is an entry in ClinVar:

NC_000006.11:g.(?_88279225)_(88279318_?)del

Gene: RARS2 (arginyl-tRNA synthetase 2, mitochondrial; minus strand). Cytogenetic location: 6q15.
Variant type: Deletion.
Identifiers: ClinVar variation 1455810 (VCV001455810.6).

ClinVar aggregate classification (germline): Pathogenic (1 of 4 stars; one submission).

Submission:

Labcorp Genetics (formerly Invitae), Labcorp
Classification: Pathogenic. Last evaluated: 2022-09-16. Review status: criteria provided, single submitter. Criteria: Invitae Variant Classification Sherloc (09022015). Collection method: clinical testing. Allele origin: germline.
Comment: This variant is a gross deletion of the genomic region encompassing exon(s) 2 of the RARS2 gene. This deletion is out-of-frame, and is expected to create a premature termination codon and result in an absent or disrupted protein product. Loss-of-function variants in RARS2 are known to be pathogenic (PMID: 17847012, 22569581, 26083569). This variant has not been reported in the literature in individuals affected with RARS2-related conditions. For these reasons, this variant has been classified as Pathogenic.

Literature cited by the submitters: PubMed 17847012; PubMed 22569581; PubMed 26083569.